The following is an entry in ClinVar:

ClinVar aggregate classification (germline): Uncertain significance (1 of 4 stars; one submission).

Conditions:
Kabuki syndrome. Also called: Kabuki make-up syndrome; NIIKAWA-KUROKI SYNDROME. Identifiers: Orphanet 2322, MedGen C0796004, MONDO:0016512.

Submission:

Labcorp Genetics (formerly Invitae), Labcorp
Classification: Uncertain significance for Kabuki syndrome. Last evaluated: 2022-11-14. Review status: criteria provided, single submitter. Criteria: Invitae Variant Classification Sherloc (09022015). Collection method: clinical testing. Allele origin: germline.
Comment: This variant, c.11766_11825dup, results in the insertion of 20 amino acid(s) of the KMT2D protein (p.Leu3926_Gln3945dup), but otherwise preserves the integrity of the reading frame. This variant is not present in population databases (gnomAD no frequency). This variant has not been reported in the literature in individuals affected with KMT2D-related conditions. In summary, the available evidence is currently insufficient to determine the role of this variant in disease. Therefore, it has been classified as a Variant of Uncertain Significance.

NM_003482.4(KMT2D):c.11766_11825dup (p.Gln3945_Gln3946insLeuGlnGlnGlnGlnLeuGlnGlnGlnGlnGlnGlnGlnGlnLeuGlnGlnGlnGlnGln)

Gene: KMT2D (lysine methyltransferase 2D; minus strand). Cytogenetic location: 12q13.12.
Variant type: Duplication.
Coding change: c.11766_11825dup on transcript NM_003482.4 (MANE Select); coding-DNA positions 11766 to 11825, 60 bases duplicated.
Protein change: p.Gln3945_Gln3946insLeuGlnGlnGlnGlnLeuGlnGlnGlnGlnGlnGlnGlnGlnLeuGlnGlnGlnGlnGln.
Molecular consequence: inframe insertion.
Genome position (GRCh38, 1-based): chr12:49,032,880-49,032,939, 60 bases duplicated. GRCh37 (hg19): chr12:49,426,668-49,426,727.
Identifiers: ClinVar variation 2917498 (VCV002917498.3), dbSNP rs2120435996, ClinGen allele CA2739271976.